The following is an entry in ClinVar:

ClinVar aggregate classification (germline): Uncertain significance (1 of 4 stars; one submission).

Conditions:
Sulfite oxidase deficiency due to molybdenum cofactor deficiency type A. Also called: Molybdenum cofactor deficiency, complementation group A; Molybdenum Cofactor Deficiency A. Identifiers: Orphanet 308386, Orphanet 833, MedGen C1854988, MONDO:0009643, OMIM 252150.

Submission:

Labcorp Genetics (formerly Invitae), Labcorp
Classification: Uncertain significance for Sulfite oxidase deficiency due to molybdenum cofactor deficiency type A. Last evaluated: 2021-01-28. Review status: criteria provided, single submitter. Criteria: Invitae Variant Classification Sherloc (09022015). Collection method: clinical testing. Allele origin: germline.
Comment: In summary, the available evidence is currently insufficient to determine the role of this variant in disease. Therefore, it has been classified as a Variant of Uncertain Significance. Experimental studies and prediction algorithms are not available or were not evaluated, and the functional significance of this variant is currently unknown. This variant has not been reported in the literature in individuals with MOCS1-related conditions. This variant results in a copy number gain of the genomic region encompassing exon(s) 1-9 of the MOCS1 gene. This region includes the initiator codon of the gene. The 5' end of this event is unknown as it extends beyond the assayed region for this gene and therefore may encompass additional genes. The 3' boundary is likely confined to intron 9 of the MOCS1 gene. As the precise location of this event is unknown, it may be in tandem or it may be located elsewhere in the genome.

NC_000006.11:g.(?_39877569)_(39902156_?)dup

Gene: MOCS1 (molybdenum cofactor synthesis 1; minus strand). Cytogenetic location: 6p21.2.
Variant type: Duplication.
Identifiers: ClinVar variation 1373447 (VCV001373447.4).